The following is an entry in ClinVar:

ClinVar aggregate classification (germline): Conflicting classifications of pathogenicity. Review status: criteria provided, conflicting classifications (1 of 4 stars). 4 submissions from 4 submitters: Uncertain significance (1); Likely benign (2). 1 of the submissions does not count toward it. Last evaluated 2025-12-20.

Conditions:
Inborn genetic diseases. Identifiers: MedGen C0950123, MeSH D030342.
GHR-related disorder. Also called: GHR-related condition.

Allele frequency attached by ClinVar (database versions not stated): gnomAD exomes 0.00044; ExAC 0.00060; gnomAD 0.00160 and 0.00173; 1000 Genomes Project 30x 0.00172; 1000 Genomes Project 0.00180; TOPMed 0.00186; ESP Exome Variant Server 0.00262.
gnomAD v4.1: 453 of 1,611,156 alleles (0.028%); highest among the groups gnomAD compares: African/African-American, 0.55%; 1 homozygote.

Submissions (4):

Labcorp Genetics (formerly Invitae), Labcorp
Classification: Likely benign. Last evaluated: 2025-12-20. Review status: criteria provided, single submitter. Criteria: Invitae Variant Classification Sherloc (09022015). Collection method: clinical testing. Allele origin: germline.

Ambry Genetics
Classification: Uncertain significance for Inborn genetic diseases. Last evaluated: 2025-06-17. Review status: criteria provided, single submitter. Criteria: Ambry Variant Classification Scheme 2023. Collection method: clinical testing. Allele origin: germline.

Women's Health and Genetics/Laboratory Corporation of America, LabCorp
Classification: Likely benign. Last evaluated: 2025-04-01. Review status: criteria provided, single submitter. Criteria: LabCorp Variant Classification Summary - May 2015. Collection method: clinical testing. Allele origin: germline.
Comment: Variant summary: GHR c.968A>G (p.Asn323Ser) results in a conservative amino acid change in the encoded protein sequence. Two of three in-silico tools predict a benign effect of the variant on protein function. The variant allele was found at a frequency of 0.00044 in 250314 control chromosomes, predominantly at a frequency of 0.0064 within the African or African-American subpopulation in the gnomAD database. The observed variant frequency within African or African-American control individuals in the gnomAD database is approximately 1.81 fold of the estimated maximal expected allele frequency for a pathogenic variant in GHR causing Growth Hormone Insensitivity phenotype (0.0035). To our knowledge, no occurrence of c.968A>G in individuals affected with Growth Hormone Insensitivity and no experimental evidence demonstrating its impact on protein function have been reported. ClinVar contains an entry for this variant (Variation ID: 705135). Based on the evidence outlined above, the variant was classified as likely benign.

PreventionGenetics, part of Exact Sciences
Classification: Likely benign for GHR-related condition. Last evaluated: 2020-06-08. Review status: no assertion criteria provided. Collection method: clinical testing. Allele origin: germline. Not counted in ClinVar's aggregate classification.
Comment: This variant is classified as likely benign based on ACMG/AMP sequence variant interpretation guidelines (Richards et al. 2015 PMID: 25741868, with internal and published modifications).

NM_000163.5(GHR):c.968A>G (p.Asn323Ser)

Gene: GHR (growth hormone receptor; plus strand). Cytogenetic location: 5p12.
Variant type: single nucleotide variant.
Coding change: c.968A>G on transcript NM_000163.5 (MANE Select); coding-DNA position 968, A replaced by G.
Protein change: p.Asn323Ser; replaces asparagine 323 with serine.
Molecular consequence: missense variant. On other transcripts: 3 prime UTR variant (1).
Genome position (GRCh38, 1-based): chr5:42,718,475, A>G. VCF-style: chr5-42718475-A-G. GRCh37 (hg19) VCF-style: chr5-42718577-A-G.
Other names: c.989A>G, p.Asn330Ser (NM_001242399.2); c.968A>G, p.Asn323Ser (NM_001242400.2, NM_001242401.4, NM_001242402.2 and 4 more transcripts); c.902A>G, p.Asn301Ser (NM_001242460.2); c.*10A>G (NM_001242462.1); short protein forms N323S, N330S, N301S.
Identifiers: ClinVar variation 705135 (VCV000705135.15), dbSNP rs61758977, ClinGen allele CA3254572.